The following is an entry in ClinVar:

NM_182931.3(KMT2E):c.5043A>C (p.Pro1681=)

Gene: KMT2E (lysine methyltransferase 2E (inactive); plus strand). Cytogenetic location: 7q22.3.
Variant type: single nucleotide variant.
Coding change: c.5043A>C on transcript NM_182931.3 (MANE Select); coding-DNA position 5043, A replaced by C.
Protein change: p.Pro1681=; no amino-acid change (proline 1681 retained).
Molecular consequence: synonymous variant.
Genome position (GRCh38, 1-based): chr7:105,112,799, A>C. VCF-style: chr7-105112799-A-C. GRCh37 (hg19) VCF-style: chr7-104753246-A-C.
Other names: c.4917A>C, p.Pro1639= (NM_001410908.1); c.5043A>C, p.Pro1681= (NM_018682.4).
Identifiers: ClinVar variation 3059431 (VCV003059431.2), dbSNP rs780916307, ClinGen allele CA4424894.

ClinVar aggregate classification (germline): Likely benign (0 of 4 stars; one submission).

Conditions:
KMT2E-related disorder. Also called: KMT2E-related condition.

Submission:

PreventionGenetics, part of Exact Sciences
Classification: Likely benign for KMT2E-related condition. Last evaluated: 2019-10-31. Review status: no assertion criteria provided. Collection method: clinical testing. Allele origin: germline.
Comment: This variant is classified as likely benign based on ACMG/AMP sequence variant interpretation guidelines (Richards et al. 2015 PMID: 25741868, with internal and published modifications).